The following is an entry in ClinVar:

ClinVar aggregate classification (germline): Benign/Likely benign. Review status: criteria provided, multiple submitters, no conflicts (2 of 4 stars). 10 submissions from 10 submitters: Benign (1); Likely benign (4). 5 of the submissions do not count toward it. Last evaluated 2026-04-01.

Conditions:
PTCH2-related disorder. Also called: PTCH2-related condition; PTCH2-related disease.
Gorlin syndrome. Also called: Nevoid Basal Cell Carcinoma Syndrome; Basal cell nevus syndrome. Identifiers: Orphanet 377, MedGen C0004779, MONDO:0007187.

Allele frequency attached by ClinVar (database versions not stated): 1000 Genomes Project 0.00040; 1000 Genomes Project 30x 0.00047; TOPMed 0.00223.
gnomAD v4.1: 5,478 of 1,614,192 alleles (0.34%); highest among the groups gnomAD compares: Non-Finnish European, 0.42%; 15 homozygotes.

Submissions (10):

CeGaT Center for Human Genetics Tuebingen
Classification: Likely benign. Last evaluated: 2026-04-01. Review status: criteria provided, single submitter. Criteria: CeGaT Center For Human Genetics Tuebingen Variant Classification Criteria Version 2. Collection method: clinical testing. Allele origin: germline. Affected: yes. Observed: 15 variant alleles.
Comment: PTCH2: BS2

Labcorp Genetics (formerly Invitae), Labcorp
Classification: Benign for Gorlin syndrome. Last evaluated: 2026-02-04. Review status: criteria provided, single submitter. Criteria: Invitae Variant Classification Sherloc (09022015). Collection method: clinical testing. Allele origin: germline.

Blueprint Genetics
Classification: Likely benign. Last evaluated: 2024-11-25. Review status: criteria provided, single submitter. Criteria: ACMG Guidelines, 2015. Collection method: clinical testing. Allele origin: germline.

GeneDx
Classification: Likely benign. Last evaluated: 2020-10-08. Review status: criteria provided, single submitter. Criteria: GeneDx Variant Classification Process June 2021. Collection method: clinical testing. Allele origin: germline. Affected: yes.

Genomic Diagnostic Laboratory, Division of Genomic Diagnostics, Children's Hospital of Philadelphia
Classification: Likely benign. Last evaluated: 2015-11-20. Review status: criteria provided, single submitter. Criteria: DGD Variant Analysis Guidelines. Collection method: clinical testing. Allele origin: unknown.

PreventionGenetics, part of Exact Sciences
Classification: Benign for PTCH2-related condition. Last evaluated: 2020-02-18. Review status: no assertion criteria provided. Collection method: clinical testing. Allele origin: germline. Not counted in ClinVar's aggregate classification.
Comment: This variant is classified as benign based on ACMG/AMP sequence variant interpretation guidelines (Richards et al. 2015 PMID: 25741868, with internal and published modifications).

Clinical Genetics DNA and cytogenetics Diagnostics Lab, Erasmus MC, Erasmus Medical Center
Classification: Likely benign. Review status: no assertion criteria provided. Collection method: clinical testing. Allele origin: germline. Affected: yes. Study: VKGL Data-share Consensus. Not counted in ClinVar's aggregate classification.

Department of Pathology and Laboratory Medicine, Sinai Health System
Classification: Likely benign. Review status: no assertion criteria provided. Collection method: clinical testing. Allele origin: unknown. Affected: yes. Study: The Canadian Open Genetics Repository (COGR). Not counted in ClinVar's aggregate classification.
Comment: The PTCH2 p.His622Asn variant was not identified in the literature nor was it identified in Cosmic. The variant was identified in dbSNP (ID: rs11573586), LOVD 3.0 (classified as likely benign) and in ClinVar (classified as likely benign by Division of Genomic Diagnostics, The Children's Hospital of Philadelphia and as benign by Invitae). The variant was also identified in control databases in 644 of 282218 chromosomes (1 homozygous) at a frequency of 0.002282 increasing the likelihood this could be a low frequency benign variant (Genome Aggregation Database Feb 27, 2017) and was observed in the following populations: European (Finnish) in 180 of 25086 chromosomes (freq: 0.007175), European (non-Finnish) in 416 of 128572 chromosomes (freq: 0.003236), Other in 12 of 7220 chromosomes (freq: 0.001662), African in 29 of 24968 chromosomes (freq: 0.001161) and Latino in 7 of 35434 chromosomes (freq: 0.000198), while the variant was not observed in the Ashkenazi Jewish, East Asian and South Asian populations. The variant occurs outside of the splicing consensus sequence and in silico or computational prediction software programs (SpliceSiteFinder, MaxEntScan, NNSPLICE, GeneSplicer) do not predict a difference in splicing. The p.His622 residue is not conserved in mammals and four out of five computational analyses (PolyPhen-2, SIFT, AlignGVGD, BLOSUM) do not suggest a high likelihood of impact to the protein; however, this information is not predictive enough to rule out pathogenicity. In summary, based on the above information the clinical significance of this variant cannot be determined with certainty at this time although we would lean towards a more benign role for this variant. This variant is classified as likely benign.

Genome Diagnostics Laboratory, Amsterdam University Medical Center
Classification: Benign. Review status: no assertion criteria provided. Collection method: clinical testing. Allele origin: germline. Affected: yes. Study: VKGL Data-share Consensus. Not counted in ClinVar's aggregate classification.

Laboratory of Diagnostic Genome Analysis, Leiden University Medical Center (LUMC)
Classification: Likely benign. Review status: no assertion criteria provided. Collection method: clinical testing. Allele origin: germline. Affected: yes. Study: VKGL Data-share Consensus. Not counted in ClinVar's aggregate classification.

NM_003738.5(PTCH2):c.1864C>A (p.His622Asn)

Gene: PTCH2 (patched 2; minus strand). Cytogenetic location: 1p34.1.
Variant type: single nucleotide variant.
Coding change: c.1864C>A on transcript NM_003738.5 (MANE Select); coding-DNA position 1864, C replaced by A.
Protein change: p.His622Asn; replaces histidine 622 with asparagine.
Molecular consequence: missense variant.
Genome position (GRCh38, 1-based): chr1:44,828,037, G>T on the plus strand (C>A on the coding strand, the complement: PTCH2 is on the minus strand). VCF-style: chr1-44828037-G-T. GRCh37 (hg19) VCF-style: chr1-45293709-G-T.
Other names: c.1864C>A, p.His622Asn (NM_001166292.2); short protein forms H622N.
Identifiers: ClinVar variation 252550 (VCV000252550.44), dbSNP rs11573586, ClinGen allele CA823157.
Genomic context (GRCh38, chr1:44,828,037, plus strand): 5'-TGGACCCTCCAGGGCTGAAGAGCTCAGAGCCCAGTGGGTCAGAAGGTGGGGGCACCAGGT[G>T]GGCTTGGGGAGGCAGGATGGTGACCACATGCTGGCTGCTGGCTTCACAGTGGGTAAAGGC-3'
Protein context (NP_003729.3, residues 612-632): HVVTILPPQA[His622Asn]LVPPPSDPLG